The following is an entry in ClinVar:

ClinVar aggregate classification (germline): Uncertain significance (1 of 4 stars; one submission).

Submission:

ISCA site 4
Classification: Uncertain significance. Last evaluated: 2011-08-12. Review status: criteria provided, single submitter. Criteria: Kaminsky et al. (Genet Med. 2011). Collection method: clinical testing. Allele origin: unknown. Affected: yes. Observed: 1 variant allele.
Comment: Copy number variation identified through the course of routine clinical cytogenomic testing in postnatal populations. Clinical assertions have been curated as described in Kaminsky et al. 2011.

GRCh38/hg38 4q21.1(chr4:75729757-76160423)x1

Genes: ART3 (ADP-ribosyltransferase 3 (inactive); plus strand), CXCL10 (C-X-C motif chemokine ligand 10; minus strand), CXCL11 (C-X-C motif chemokine ligand 11; minus strand), CXCL9 (C-X-C motif chemokine ligand 9; minus strand), NAAA (N-acylethanolamine acid amidase; minus strand) and 13 more. Cytogenetic location: 4q21.1.
Variant type: copy number loss.
Change: copy number 1 (one copy instead of two) of chr4:75,729,757-76,160,423 (430.7 kb, GRCh38 coordinates, 1-based), cytogenetic band 4q21.1.
Identifiers: ClinVar variation 57365 (VCV000057365.1).